The following is an entry in ClinVar:

ClinVar aggregate classification (germline): Pathogenic (1 of 4 stars; one submission).

Submission:

GeneDx
Classification: Pathogenic. Last evaluated: 2018-10-11. Review status: criteria provided, single submitter. Criteria: GeneDx Variant Classification (06012015). Collection method: clinical testing. Allele origin: germline. Affected: yes.
Comment: The c.1993dupT pathogenic variant in the CUL4B gene causes a frameshift starting with codon Tyrosine 665, changes this amino acid to a Leucine residue and creates a premature Stop codon at position 12 of the new reading frame, denoted p.Tyr665LeufsX12. This pathogenic variant is predicted to cause loss of normal protein function either through protein truncation or nonsense-mediated mRNA decay. The c.1993dupT variant is not observed in large population cohorts (Lek et al., 2016). Although this pathogenic variant has not been previously reported to our knowledge, its presence is consistent with the diagnosis of a CUL4B-related disorder in this individual.

NM_001079872.2(CUL4B):c.1939dup (p.Tyr647fs)

Gene: CUL4B (cullin 4B; minus strand). Cytogenetic location: Xq24.
Variant type: Duplication.
Coding change: c.1939dup on transcript NM_001079872.2 (MANE Select); coding-DNA position 1939, one base duplicated (T; older notation c.1939dupT).
Protein change: p.Tyr647fs; shifts the reading frame from tyrosine 647.
Molecular consequence: frameshift variant.
Genome position (GRCh38, 1-based): chrX:120,537,034, A duplicated on the plus strand (T on the coding strand, the reverse complement: CUL4B is on the minus strand). VCF-style (leftmost placement, unchanged base first): chrX-120537033-T-TA. GRCh37 (hg19) VCF-style: chrX-119670888-T-TA.
Other names: c.1954dup, p.Tyr652fs (NM_001330624.2); c.1405dup, p.Tyr469fs (NM_001369145.1); c.1993dup, p.Tyr665fs (NM_003588.4); c.1993dupT (NM_003588.3); short protein forms Y647fs, Y652fs, Y665fs, Y469fs.
Identifiers: ClinVar variation 817868 (VCV000817868.1), dbSNP rs1602573558, ClinGen allele CA915952460.